The following is an entry in ClinVar:

ClinVar aggregate classification (germline): Uncertain significance. Review status: criteria provided, single submitter (1 of 4 stars). 2 submissions from 2 submitters: Uncertain significance (1). 1 of the submissions does not count toward it. Last evaluated 2024-01-08.

Conditions:
Cyanosis, transient neonatal (TNCY). Also called: CYANOSIS, TRANSIENT NEONATEL. Identifiers: Orphanet 280615, MedGen C3151421, MONDO:0013511, OMIM 613977.

Submissions (2):

GeneDx
Classification: Uncertain significance. Last evaluated: 2024-01-08. Review status: criteria provided, single submitter. Criteria: GeneDx Variant Classification Process June 2021. Collection method: clinical testing. Allele origin: germline. Affected: yes.
Comment: Reported in a patient with unexplained cyanosis that resolved in infancy (PMID: 7741137); Also known as p.Phe41Ser and hemoglobin F-Cincinnati; Not observed at significant frequency in large population cohorts (gnomAD); In silico analysis supports that this missense variant has a deleterious effect on protein structure/function; This variant is associated with the following publications: (PMID: 7741137)

OMIM
Classification: Pathogenic for CYANOSIS, TRANSIENT NEONATAL. Last evaluated: 1995-05-01. Review status: no assertion criteria provided. Collection method: literature only. Allele origin: germline. Not counted in ClinVar's aggregate classification.

Literature cited by the submitters: PubMed 7741137 (cited by OMIM).

NM_000184.3(HBG2):c.125T>C (p.Phe42Ser)

Genes: HBG2 (hemoglobin subunit gamma 2; minus strand), LOC106099065 (HBG2 recombination region; plus strand). Cytogenetic location: 11p15.4.
Variant type: single nucleotide variant.
Coding change: c.125T>C on transcript NM_000184.3 (MANE Select); coding-DNA position 125, T replaced by C.
Protein change: p.Phe42Ser; replaces phenylalanine 42 with serine.
Molecular consequence: missense variant.
Genome position (GRCh38, 1-based): chr11:5,254,482, A>G on the plus strand (T>C on the coding strand, the complement: HBG2 is on the minus strand). VCF-style: chr11-5254482-A-G. GRCh37 (hg19) VCF-style: chr11-5275712-A-G.
Other names: F41S; Hb F-Cincinnati; short protein forms F42S.
Identifiers: ClinVar variation 14996 (VCV000014996.2), dbSNP rs34878913, ClinGen allele CA124566.